The following is an entry in ClinVar:

NM_006876.3(B4GAT1):c.447G>T (p.Met149Ile)

Gene: B4GAT1 (beta-1,4-glucuronyltransferase 1; minus strand). Cytogenetic location: 11q13.2.
Variant type: single nucleotide variant.
Coding change: c.447G>T on transcript NM_006876.3 (MANE Select); coding-DNA position 447, G replaced by T.
Protein change: p.Met149Ile; replaces methionine 149 with isoleucine.
Molecular consequence: missense variant.
Genome position (GRCh38, 1-based): chr11:66,347,099, C>A on the plus strand (G>T on the coding strand, the complement: B4GAT1 is on the minus strand). VCF-style: chr11-66347099-C-A. GRCh37 (hg19) VCF-style: chr11-66114570-C-A.
Other names: short protein forms M149I.
Identifiers: ClinVar variation 1304862 (VCV001304862.6), dbSNP rs374533716, ClinGen allele CA6120560.
Genomic context (GRCh38, chr11:66,347,099, plus strand): 5'-GTCGGGCACGGCTGCCTCGTAACGCGAGGGGCACACGAGGTGCATGGCGACCCTGGCGCG[C>A]ATGTCGGGGCAGTGGCTGCTCAGCGCGTAGGCCAGCACCGTGGCCAGCTGCGCCTCCTCC-3'
Protein context (NP_006867.1, residues 139-159): AYALSSHCPD[Met149Ile]RARVAMHLVC

ClinVar aggregate classification (germline): Uncertain significance. Review status: criteria provided, multiple submitters, no conflicts (2 of 4 stars). 3 submissions from 3 submitters: Uncertain significance (3). Last evaluated 2024-11-08.

Conditions:
Muscular dystrophy-dystroglycanopathy (congenital with brain and eye anomalies), type A13. Also called: WALKER-WARBURG SYNDROME OR MUSCLE-EYE-BRAIN DISEASE, B3GNT1-RELATED; Muscular dystrophy-dystroglycanopathy (congenital with brain and eye anomalies), type a, 13. Identifiers: Orphanet 899, MedGen C3809042, MONDO:0014120, OMIM 615287.
Inborn genetic diseases. Identifiers: MedGen C0950123, MeSH D030342.

Allele frequency attached by ClinVar (database versions not stated): ESP Exome Variant Server 0.00008.

Submissions (3):

Ambry Genetics
Classification: Uncertain significance for Inborn genetic diseases. Last evaluated: 2024-11-08. Review status: criteria provided, single submitter. Criteria: Ambry Variant Classification Scheme 2023. Collection method: clinical testing. Allele origin: germline.

Labcorp Genetics (formerly Invitae), Labcorp
Classification: Uncertain significance for Muscular dystrophy-dystroglycanopathy (congenital with brain and eye anomalies), type A13. Last evaluated: 2022-07-17. Review status: criteria provided, single submitter. Criteria: Invitae Variant Classification Sherloc (09022015). Collection method: clinical testing. Allele origin: germline.
Comment: In summary, the available evidence is currently insufficient to determine the role of this variant in disease. Therefore, it has been classified as a Variant of Uncertain Significance. Algorithms developed to predict the effect of missense changes on protein structure and function output the following: SIFT: "Tolerated"; PolyPhen-2: "Benign"; Align-GVGD: "Class C0". The isoleucine amino acid residue is found in multiple mammalian species, which suggests that this missense change does not adversely affect protein function. ClinVar contains an entry for this variant (Variation ID: 1304862). This variant has not been reported in the literature in individuals affected with B4GAT1-related conditions. This variant is present in population databases (rs374533716, gnomAD 0.03%). This sequence change replaces methionine, which is neutral and non-polar, with isoleucine, which is neutral and non-polar, at codon 149 of the B4GAT1 protein (p.Met149Ile).

GeneDx
Classification: Uncertain significance. Last evaluated: 2019-08-14. Review status: criteria provided, single submitter. Criteria: GeneDx Variant Classification Process June 2021. Collection method: clinical testing. Allele origin: germline. Affected: yes.
Comment: The majority of missense variants in this gene are considered pathogenic (Stenson et al., 2014); In silico analysis, which includes protein predictors and evolutionary conservation, supports that this variant does not alter protein structure/function; Has not been previously published as pathogenic or benign to our knowledge